The following is an entry in ClinVar:

ClinVar aggregate classification (germline): Uncertain significance (1 of 4 stars; one submission).

Conditions:
Catecholaminergic polymorphic ventricular tachycardia 1. Also called: VENTRICULAR TACHYCARDIA, CATECHOLAMINERGIC POLYMORPHIC, 1, WITH OR WITHOUT ATRIAL DYSFUNCTION AND/OR DILATED CARDIOMYOPATHY; RYR2-Related Catecholaminergic Polymorphic Ventricular Tachycardia; VENTRICULAR TACHYCARDIA, STRESS-INDUCED POLYMORPHIC 1. Identifiers: Orphanet 3286, MedGen C1631597, MONDO:0011484, OMIM 604772.

Submission:

Labcorp Genetics (formerly Invitae), Labcorp
Classification: Uncertain significance for Catecholaminergic polymorphic ventricular tachycardia 1. Last evaluated: 2024-06-12. Review status: criteria provided, single submitter. Criteria: Invitae Variant Classification Sherloc (09022015). Collection method: clinical testing. Allele origin: germline.
Comment: This sequence change replaces alanine, which is neutral and non-polar, with threonine, which is neutral and polar, at codon 994 of the RYR2 protein (p.Ala994Thr). This variant is not present in population databases (gnomAD no frequency). This variant has not been reported in the literature in individuals affected with RYR2-related conditions. Advanced modeling of protein sequence and biophysical properties (such as structural, functional, and spatial information, amino acid conservation, physicochemical variation, residue mobility, and thermodynamic stability) performed at Invitae indicates that this missense variant is not expected to disrupt RYR2 protein function with a negative predictive value of 95%. In summary, the available evidence is currently insufficient to determine the role of this variant in disease. Therefore, it has been classified as a Variant of Uncertain Significance.

NM_001035.3(RYR2):c.2980G>A (p.Ala994Thr)

Gene: RYR2 (ryanodine receptor 2; plus strand). Cytogenetic location: 1q43.
Variant type: single nucleotide variant.
Coding change: c.2980G>A on transcript NM_001035.3 (MANE Select); coding-DNA position 2980, G replaced by A.
Protein change: p.Ala994Thr; replaces alanine 994 with threonine.
Molecular consequence: missense variant.
Genome position (GRCh38, 1-based): chr1:237,548,504, G>A. VCF-style: chr1-237548504-G-A. GRCh37 (hg19) VCF-style: chr1-237711804-G-A.
Other names: short protein forms A994T.
Identifiers: ClinVar variation 3633787 (VCV003633787.2).